The following is an entry in ClinVar:

ClinVar aggregate classification (germline): Uncertain significance (1 of 4 stars; one submission).

Conditions:
Ehlers-Danlos syndrome, dominant type 4. Also called: Autosomal dominant Ehlers-Danlos syndrome, vascular type. Identifiers: MedGen C0268339, MONDO:0007524.

Submission:

Dasa
Classification: Uncertain significance for autosomal dominant Ehlers-Danlos syndrome, vascular type. Last evaluated: 2025-10-13. Review status: criteria provided, single submitter. Criteria: DASA Assertion Criteria. Collection method: clinical testing. Allele origin: germline.
Comment: NM_000090.4(COL3A1):c.2558C>T (p.Pro853Leu) is a missense variant that results in the substitution of proline with leucine. This variant is absent from population databases. The currently available literature and clinical evidence are not sufficient to establish a definitive association between this variant and the reported condition. Therefore, this variant is classified as a variant of uncertain significance.

NM_000090.4(COL3A1):c.2558C>T (p.Pro853Leu)

Gene: COL3A1 (collagen type III alpha 1 chain; plus strand). Cytogenetic location: 2q32.2.
Variant type: single nucleotide variant.
Coding change: c.2558C>T on transcript NM_000090.4 (MANE Select); coding-DNA position 2558, C replaced by T.
Protein change: p.Pro853Leu; replaces proline 853 with leucine.
Molecular consequence: missense variant.
Genome position (GRCh38, 1-based): chr2:189,003,415, C>T. VCF-style: chr2-189003415-C-T. GRCh37 (hg19) VCF-style: chr2-189868141-C-T.
Other names: short protein forms P853L.
Identifiers: ClinVar variation 4881878 (VCV004881878.2).